The following is an entry in ClinVar:

ClinVar aggregate classification (germline): Uncertain significance (1 of 4 stars; one submission).

Conditions:
Dyskeratosis congenita. Identifiers: Orphanet 1775, MedGen C0265965, MONDO:0015780.

Submission:

Labcorp Genetics (formerly Invitae), Labcorp
Classification: Uncertain significance for Dyskeratosis congenita. Last evaluated: 2024-07-30. Review status: criteria provided, single submitter. Criteria: Invitae Variant Classification Sherloc (09022015). Collection method: clinical testing. Allele origin: germline.
Comment: This sequence change replaces valine, which is neutral and non-polar, with leucine, which is neutral and non-polar, at codon 55 of the NHP2 protein (p.Val55Leu). This variant is not present in population databases (gnomAD no frequency). This variant has not been reported in the literature in individuals affected with NHP2-related conditions. An algorithm developed to predict the effect of missense changes on protein structure and function (PolyPhen-2) suggests that this variant is likely to be tolerated. In summary, the available evidence is currently insufficient to determine the role of this variant in disease. Therefore, it has been classified as a Variant of Uncertain Significance.

NM_017838.4(NHP2):c.163G>C (p.Val55Leu)

Gene: NHP2 (NHP2 ribonucleoprotein; minus strand). Cytogenetic location: 5q35.3.
Variant type: single nucleotide variant.
Coding change: c.163G>C on transcript NM_017838.4 (MANE Select); coding-DNA position 163, G replaced by C.
Protein change: p.Val55Leu; replaces valine 55 with leucine.
Molecular consequence: missense variant.
Genome position (GRCh38, 1-based): chr5:178,153,558, C>G on the plus strand (G>C on the coding strand, the complement: NHP2 is on the minus strand). VCF-style: chr5-178153558-C-G. GRCh37 (hg19) VCF-style: chr5-177580559-C-G.
Other names: c.163G>C, p.Val55Leu (NM_001034833.2, NM_001396110.1); short protein forms V55L.
Identifiers: ClinVar variation 3626741 (VCV003626741.2).